The following is an entry in ClinVar:

NM_005732.4(RAD50):c.550A>G (p.Arg184Gly)

Gene: RAD50 (RAD50 double strand break repair protein; plus strand). Cytogenetic location: 5q31.1.
Variant type: single nucleotide variant.
Coding change: c.550A>G on transcript NM_005732.4 (MANE Select); coding-DNA position 550, A replaced by G.
Protein change: p.Arg184Gly; replaces arginine 184 with glycine.
Molecular consequence: missense variant.
Genome position (GRCh38, 1-based): chr5:132,579,501, A>G. VCF-style: chr5-132579501-A-G. GRCh37 (hg19) VCF-style: chr5-131915193-A-G.
Other names: c.550A>G (NM_005732.3); short protein forms R184G.
Identifiers: ClinVar variation 2130497 (VCV002130497.6), dbSNP rs2479616334, ClinGen allele CA360935241.

ClinVar aggregate classification (germline): Uncertain significance. Review status: criteria provided, multiple submitters, no conflicts (2 of 4 stars). 2 submissions from 2 submitters: Uncertain significance (2). Last evaluated 2023-06-11.

Conditions:
Hereditary cancer-predisposing syndrome. Also called: Hereditary neoplastic syndrome; Tumor predisposition; Hereditary Cancer Syndrome; Neoplastic Syndromes, Hereditary. Identifiers: Orphanet 140162, MedGen C0027672, MeSH D009386, MONDO:0015356.

Allele frequency attached by ClinVar (database versions not stated): gnomAD exomes below 0.00001.
gnomAD v4.1: 1 of 1,611,132 alleles (0.000062%); highest among the groups gnomAD compares: Non-Finnish European, 0.000085%; no homozygotes.

Submissions (2):

Ambry Genetics
Classification: Uncertain significance for Hereditary cancer-predisposing syndrome. Last evaluated: 2023-06-11. Review status: criteria provided, single submitter. Criteria: Ambry Variant Classification Scheme 2023. Collection method: clinical testing. Allele origin: germline.
Comment: The p.R184G variant (also known as c.550A>G), located in coding exon 4 of the RAD50 gene, results from an A to G substitution at nucleotide position 550. The arginine at codon 184 is replaced by glycine, an amino acid with dissimilar properties. This amino acid position is conserved. In addition, the in silico prediction for this alteration is inconclusive. Since supporting evidence is limited at this time, the clinical significance of this alteration remains unclear.

Labcorp Genetics (formerly Invitae), Labcorp
Classification: Uncertain significance for Hereditary cancer-predisposing syndrome. Last evaluated: 2022-10-13. Review status: criteria provided, single submitter. Criteria: Invitae Variant Classification Sherloc (09022015). Collection method: clinical testing. Allele origin: germline.
Comment: This variant is not present in population databases (gnomAD no frequency). This sequence change replaces arginine, which is basic and polar, with glycine, which is neutral and non-polar, at codon 184 of the RAD50 protein (p.Arg184Gly). This variant has not been reported in the literature in individuals affected with RAD50-related conditions. In summary, the available evidence is currently insufficient to determine the role of this variant in disease. Therefore, it has been classified as a Variant of Uncertain Significance. Algorithms developed to predict the effect of sequence changes on RNA splicing suggest that this variant may disrupt the consensus splice site. Algorithms developed to predict the effect of missense changes on protein structure and function are either unavailable or do not agree on the potential impact of this missense change (SIFT: "Deleterious"; PolyPhen-2: "Probably Damaging"; Align-GVGD: "Class C15").